The following is an entry in ClinVar:

ClinVar aggregate classification (germline): Uncertain significance. Review status: criteria provided, multiple submitters, no conflicts (2 of 4 stars). 2 submissions from 2 submitters: Uncertain significance (2). Last evaluated 2022-11-11.

Conditions:
Osteogenesis imperfecta type I (OI1). Also called: Osteogenesis imperfecta type 1; OI, TYPE I; OSTEOGENESIS IMPERFECTA TARDA; OSTEOGENESIS IMPERFECTA WITH BLUE SCLERAE; Lobstein's Disease; Lobstein disease. Identifiers: Orphanet 216796, Orphanet 666, MedGen C0023931, MONDO:0008146, OMIM 166200. Disease mechanism: loss of function.

Submissions (2):

GeneDx
Classification: Uncertain significance. Last evaluated: 2022-11-11. Review status: criteria provided, single submitter. Criteria: GeneDx Variant Classification Process June 2021. Collection method: clinical testing. Allele origin: germline. Affected: yes.
Comment: Not observed at significant frequency in large population cohorts (gnomAD); In silico analysis supports that this missense variant has a deleterious effect on protein structure/function; Has not been previously published as pathogenic or benign to our knowledge; Occurs in the triple helical domain at the X position in the canonical Gly-X-Y repeat; although this variant may have an effect on normal protein folding and function, missense substitution at the X position is not a common mechanism of disease (HGMD)

Labcorp Genetics (formerly Invitae), Labcorp
Classification: Uncertain significance for Osteogenesis imperfecta type I. Last evaluated: 2017-12-17. Review status: criteria provided, single submitter. Criteria: Invitae Variant Classification Sherloc (09022015). Collection method: clinical testing. Allele origin: germline.
Comment: Algorithms developed to predict the effect of missense changes on protein structure and function do not agree on the potential impact of this missense change (SIFT: "Deleterious"; PolyPhen-2: "Benign"; Align-GVGD: "Class C65"). In summary, the available evidence is currently insufficient to determine the role of this variant in disease. Therefore, it has been classified as a Variant of Uncertain Significance. This variant has been reported in an individual affected with osteogenesis imperfecta (PMID: 21884818). This variant is not present in population databases (ExAC no frequency). This sequence change replaces proline with serine at codon 810 of the COL1A1 protein (p.Pro810Ser). The proline residue is highly conserved and there is a moderate physicochemical difference between proline and serine.

Literature cited by the submitters: PubMed 21884818 (cited by Labcorp Genetics (formerly Invitae), Labcorp).

NM_000088.4(COL1A1):c.2428C>T (p.Pro810Ser)

Gene: COL1A1 (collagen type I alpha 1 chain; minus strand). Cytogenetic location: 17q21.33.
Variant type: single nucleotide variant.
Coding change: c.2428C>T on transcript NM_000088.4 (MANE Select); coding-DNA position 2428, C replaced by T.
Protein change: p.Pro810Ser; replaces proline 810 with serine.
Molecular consequence: missense variant.
Genome position (GRCh38, 1-based): chr17:50,190,350, G>A on the plus strand (C>T on the coding strand, the complement: COL1A1 is on the minus strand). VCF-style: chr17-50190350-G-A. GRCh37 (hg19) VCF-style: chr17-48267711-G-A.
Other names: short protein forms P810S.
Identifiers: ClinVar variation 526851 (VCV000526851.10), dbSNP rs1555572744, ClinGen allele CA400207952.